The following is an entry in ClinVar:

NM_001379110.1(SLC9A6):c.-56-21C>A

Gene: SLC9A6 (solute carrier family 9 member A6; plus strand). Cytogenetic location: Xq26.3.
Variant type: single nucleotide variant.
Coding change: c.-56-21C>A on transcript NM_001379110.1 (MANE Select); 21 bases into the intron before 56 bases upstream of the start codon, C replaced by A.
Molecular consequence: intron variant. On other transcripts: missense variant (2).
Genome position (GRCh38, 1-based): chrX:135,985,582, C>A. VCF-style: chrX-135985582-C-A. GRCh37 (hg19) VCF-style: chrX-135067741-C-A.
Other names: c.80C>A, p.Pro27His (NM_001042537.2, NM_006359.3); c.-56-21C>A (NM_001177651.2, NM_001330652.2); short protein forms P27H.
Identifiers: ClinVar variation 940098 (VCV000940098.12), dbSNP rs782242879, ClinGen allele CA10524587.

ClinVar aggregate classification (germline): Uncertain significance. Review status: criteria provided, multiple submitters, no conflicts (2 of 4 stars). 2 submissions from 2 submitters: Uncertain significance (2). Last evaluated 2023-02-16.

Conditions:
SLC9A6-related disorder. Also called: SLC9A6-related condition.
Christianson syndrome (MRXSCH). Also called: SLC9A6-Related Syndromic Mental Retardation; X-linked mental retardation, syndromic, Christianson type; INTELLECTUAL DEVELOPMENTAL DISORDER, X-LINKED, SYNDROMIC, CHRISTIANSON TYPE. Identifiers: Orphanet 85278, MedGen C2678194, MONDO:0010278, OMIM 300243.

Allele frequency attached by ClinVar (database versions not stated): ExAC 0.00001; gnomAD 0.00001; gnomAD exomes 0.00001; TOPMed 0.00001.
gnomAD v4.1: 3 of 1,205,348 alleles (0.00025%); highest among the groups gnomAD compares: African/African-American, 0.0053%; no homozygotes.

Submissions (2):

Labcorp Genetics (formerly Invitae), Labcorp
Classification: Uncertain significance for Christianson syndrome. Last evaluated: 2023-02-16. Review status: criteria provided, single submitter. Criteria: Invitae Variant Classification Sherloc (09022015). Collection method: clinical testing. Allele origin: germline.
Comment: In summary, the available evidence is currently insufficient to determine the role of this variant in disease. Therefore, it has been classified as a Variant of Uncertain Significance. An algorithm developed to predict the effect of missense changes on protein structure and function (PolyPhen-2) suggests that this variant is likely to be tolerated. ClinVar contains an entry for this variant (Variation ID: 940098). This variant has not been reported in the literature in individuals affected with SLC9A6-related conditions. This variant is present in population databases (rs782242879, gnomAD 0.008%). This sequence change replaces proline, which is neutral and non-polar, with histidine, which is basic and polar, at codon 27 of the SLC9A6 protein (p.Pro27His).

PreventionGenetics, part of Exact Sciences
Classification: Uncertain significance for SLC9A6-related condition. Last evaluated: 2023-02-07. Review status: criteria provided, single submitter. Criteria: ACMG Guidelines, 2015. Collection method: clinical testing. Allele origin: germline.
Comment: The SLC9A6 c.80C>A variant is predicted to result in the amino acid substitution p.Pro27His. To our knowledge, this variant has not been reported in the literature. This variant is reported in 0.0079% of alleles in individuals of African descent in gnomAD. At this time, the clinical significance of this variant is uncertain due to the absence of conclusive functional and genetic evidence.